The following is an entry in ClinVar:

NM_032578.4(MYPN):c.3099C>G (p.His1033Gln)

Gene: MYPN (myopalladin; plus strand). Cytogenetic location: 10q21.3.
Variant type: single nucleotide variant.
Coding change: c.3099C>G on transcript NM_032578.4 (MANE Select); coding-DNA position 3099, C replaced by G.
Protein change: p.His1033Gln; replaces histidine 1033 with glutamine.
Molecular consequence: missense variant. On other transcripts: non-coding transcript variant (2).
Genome position (GRCh38, 1-based): chr10:68,195,473, C>G. VCF-style: chr10-68195473-C-G. GRCh37 (hg19) VCF-style: chr10-69955230-C-G.
Other names: c.3099C>G, p.His1033Gln (NM_001256267.2); c.2217C>G, p.His739Gln (NM_001256268.2); short protein forms H1033Q, H739Q.
Identifiers: ClinVar variation 1727538 (VCV001727538.9), dbSNP rs1486921301, ClinGen allele CA376857377.

ClinVar aggregate classification (germline): Uncertain significance. Review status: criteria provided, multiple submitters, no conflicts (2 of 4 stars). 2 submissions from 2 submitters: Uncertain significance (2). Last evaluated 2025-11-10.

Conditions:
Cardiovascular phenotype. Identifiers: MedGen CN230736.
Dilated cardiomyopathy 1KK (CMD1KK). Identifiers: Orphanet 154, Orphanet 75249, MedGen C3714995, MONDO:0014100, OMIM 615248.

Allele frequency attached by ClinVar (database versions not stated): TOPMed below 0.00001; gnomAD exomes 0.00002.
gnomAD v4.1: 9 of 1,614,058 alleles (0.00056%); highest among the groups gnomAD compares: East Asian, 0.02%; no homozygotes.

Submissions (2):

Ambry Genetics
Classification: Uncertain significance for Cardiovascular phenotype. Last evaluated: 2025-11-10. Review status: criteria provided, single submitter. Criteria: Ambry Variant Classification Scheme 2023. Collection method: clinical testing. Allele origin: germline.
Comment: The p.H1033Q variant (also known as c.3099C>G), located in coding exon 14 of the MYPN gene, results from a C to G substitution at nucleotide position 3099. The histidine at codon 1033 is replaced by glutamine, an amino acid with highly similar properties. This amino acid position is highly conserved in available vertebrate species. In addition, the in silico prediction for this alteration is inconclusive. Since supporting evidence is limited at this time, the clinical significance of this alteration remains unclear.

Labcorp Genetics (formerly Invitae), Labcorp
Classification: Uncertain significance for Dilated cardiomyopathy 1KK. Last evaluated: 2022-06-02. Review status: criteria provided, single submitter. Criteria: Invitae Variant Classification Sherloc (09022015). Collection method: clinical testing. Allele origin: germline.
Comment: Algorithms developed to predict the effect of sequence changes on RNA splicing suggest that this variant may create or strengthen a splice site. This sequence change replaces histidine, which is basic and polar, with glutamine, which is neutral and polar, at codon 1033 of the MYPN protein (p.His1033Gln). This variant is present in population databases (no rsID available, gnomAD 0.05%). This variant has not been reported in the literature in individuals affected with MYPN-related conditions. Algorithms developed to predict the effect of missense changes on protein structure and function are either unavailable or do not agree on the potential impact of this missense change (SIFT: "Tolerated"; PolyPhen-2: "Probably Damaging"; Align-GVGD: "Class C0"). In summary, the available evidence is currently insufficient to determine the role of this variant in disease. Therefore, it has been classified as a Variant of Uncertain Significance.